The following is an entry in ClinVar:

ClinVar aggregate classification (germline): Uncertain significance. Review status: criteria provided, multiple submitters, no conflicts (2 of 4 stars). 2 submissions from 2 submitters: Uncertain significance (2). Last evaluated 2023-03-08.

Conditions:
Ataxia-telangiectasia syndrome (AT). Also called: AT, COMPLEMENTATION GROUP C; Ataxia telangiectasia (A-T); LOUIS-BAR SYNDROME; Cerebello-oculocutaneous telangiectasia; Immunodeficiency with ataxia telangiectasia; Ataxia-telangiectasia, complementation group D. Identifiers: Orphanet 100, MedGen C0004135, MONDO:0008840, OMIM 208900.
Hereditary cancer-predisposing syndrome. Also called: Neoplastic Syndromes, Hereditary; Hereditary Cancer Syndrome; Hereditary neoplastic syndrome; Tumor predisposition. Identifiers: Orphanet 140162, MedGen C0027672, MeSH D009386, MONDO:0015356.

Allele frequency attached by ClinVar (database versions not stated): gnomAD exomes below 0.00001.
gnomAD v4.1: 1 of 1,604,648 alleles (0.000062%); highest among the groups gnomAD compares: Non-Finnish European, 0.000085%; no homozygotes.

Submissions (2):

Ambry Genetics
Classification: Uncertain significance for Hereditary cancer-predisposing syndrome. Last evaluated: 2023-03-08. Review status: criteria provided, single submitter. Criteria: Ambry General Variant Classification Scheme_2022. Collection method: clinical testing. Allele origin: germline.
Comment: The p.Y175C variant (also known as c.524A>G), located in coding exon 5 of the ATM gene, results from an A to G substitution at nucleotide position 524. The tyrosine at codon 175 is replaced by cysteine, an amino acid with highly dissimilar properties. This amino acid position is highly conserved in available vertebrate species. In addition, the in silico prediction for this alteration is inconclusive. Since supporting evidence is limited at this time, the clinical significance of this alteration remains unclear.

Labcorp Genetics (formerly Invitae), Labcorp
Classification: Uncertain significance for Ataxia-telangiectasia syndrome. Last evaluated: 2022-08-18. Review status: criteria provided, single submitter. Criteria: Invitae Variant Classification Sherloc (09022015). Collection method: clinical testing. Allele origin: germline.
Comment: In summary, the available evidence is currently insufficient to determine the role of this variant in disease. Therefore, it has been classified as a Variant of Uncertain Significance. Advanced modeling of protein sequence and biophysical properties (such as structural, functional, and spatial information, amino acid conservation, physicochemical variation, residue mobility, and thermodynamic stability) performed at Invitae indicates that this missense variant is not expected to disrupt ATM protein function. This variant has not been reported in the literature in individuals affected with ATM-related conditions. This variant is not present in population databases (gnomAD no frequency). This sequence change replaces tyrosine, which is neutral and polar, with cysteine, which is neutral and slightly polar, at codon 175 of the ATM protein (p.Tyr175Cys).

NM_000051.4(ATM):c.524A>G (p.Tyr175Cys)

Gene: ATM (ATM serine/threonine kinase; plus strand). Cytogenetic location: 11q22.3.
Variant type: single nucleotide variant.
Coding change: c.524A>G on transcript NM_000051.4 (MANE Select); coding-DNA position 524, A replaced by G.
Protein change: p.Tyr175Cys; replaces tyrosine 175 with cysteine.
Molecular consequence: missense variant.
Genome position (GRCh38, 1-based): chr11:108,243,980, A>G. VCF-style: chr11-108243980-A-G. GRCh37 (hg19) VCF-style: chr11-108114707-A-G.
Other names: c.524A>G, p.Tyr175Cys (NM_001351834.2); short protein forms Y175C.
Identifiers: ClinVar variation 2159690 (VCV002159690.5), dbSNP rs2135222654, ClinGen allele CA382527560.